The following is an entry in ClinVar:

NM_000030.3(AGXT):c.416_418del (p.Val139del)

Gene: AGXT (alanine--glyoxylate aminotransferase; plus strand). Cytogenetic location: 2q37.3.
Variant type: Deletion.
Coding change: c.416_418del on transcript NM_000030.3 (MANE Select); coding-DNA positions 416 to 418, 3 bases deleted (TGG; older notation c.416_418delTGG).
Protein change: p.Val139del; deletes valine 139.
Molecular consequence: inframe deletion.
Genome position (GRCh38, 1-based): chr2:240,870,701-240,870,703, TGG deleted; deleting any 3 consecutive bases within chr2:240,870,699-240,870,703 gives the same sequence; the c. name uses the placement nearest the transcript's 3' end. VCF-style (leftmost placement, unchanged base first): chr2-240870698-AGGT-A. GRCh37 (hg19) VCF-style: chr2-241810115-AGGT-A.
Other names: c.414_416del (NM_000030.3); c.416_418delTGG (NM_000030.2); short protein forms V139del.
Identifiers: ClinVar variation 204184 (VCV000204184.4), dbSNP rs180177215, ClinGen allele CA275826.
Genomic context (GRCh38, chr2:240,870,698, plus strand): 5'-ACCCAGGAGCCCGAGTGCACCCGATGACCAAGGACCCTGGAGGCCACTACACACTGCAGG[AGGT>A]GGAGGAGGTAGGGGACCCGGGGTGGGGGTCAGGGCCGGGAGGAGGTGGGAGTGGGCATGC-3'

ClinVar aggregate classification (germline): Likely pathogenic. Review status: criteria provided, multiple submitters, no conflicts (2 of 4 stars). 3 submissions from 3 submitters: Likely pathogenic (2). 1 of the submissions does not count toward it. Last evaluated 2024-07-18.

Conditions:
Primary hyperoxaluria, type I (HP1). Also called: GLYCOLIC ACIDURIA; HEPATIC AGT DEFICIENCY; OXALOSIS I; Primary hyperoxaluria type 1. Identifiers: Orphanet 416, Orphanet 93598, MedGen C0268164, MONDO:0009823, OMIM 259900. Disease mechanism: loss of function.

Submissions (3):

Natera, Inc.
Classification: Likely pathogenic for Primary hyperoxaluria type I. Last evaluated: 2024-07-18. Review status: criteria provided, single submitter. Criteria: Natera Variant Classification Schema (03/2026). Collection method: clinical testing. Allele origin: germline.
Comment: The c.416_418delTGG variant in AGXT is an in-frame deletion predicted to remove valine at amino acid 139 while preserving the reading frame. This variant is rare in the general population with a frequency below the threshold expected for the associated phenotype(s). This variant has been observed in one or more individuals affected with the associated recessive disease, as either homozygous or compound heterozygous with a second variant (PMID: 17460142, 25296721, 35812297). This variant results in a change to the protein length while preserving reading frame, which may disrupt normal protein structure or function. Computational prediction algorithms indicate this variant is likely to affect gene or protein function. Given the available evidence, this variant is classified as Likely Pathogenic.

Laboratorio de Genetica e Diagnostico Molecular, Hospital Israelita Albert Einstein
Classification: Likely pathogenic. Last evaluated: 2020-03-30. Review status: criteria provided, single submitter. Criteria: ACMG Guidelines, 2015. Collection method: clinical testing. Allele origin: germline. Affected: yes.
Comment: ACMG classification criteria: PS4, PM2, PM3, PM4, PP5

Clinical Biochemistry Laboratory, Health Services Laboratory
Classification: Pathogenic for Primary hyperoxaluria, type I. Last evaluated: 2014-11-27. Review status: no assertion criteria provided. Collection method: research. Allele origin: germline. Affected: yes. Not counted in ClinVar's aggregate classification.

Literature cited by the submitters: PubMed 17460142 (cited by Natera, Inc. and Clinical Biochemistry Laboratory, Health Services Laboratory); PubMed 25296721 (cited by Natera, Inc.); PubMed 35812297 (cited by Natera, Inc.).